The following is an entry in ClinVar:

NM_001220.5(CAMK2B):c.1597+7A>G

Gene: CAMK2B (calcium/calmodulin dependent protein kinase II beta; minus strand). Cytogenetic location: 7p13.
Variant type: single nucleotide variant.
Coding change: c.1597+7A>G on transcript NM_001220.5 (MANE Select); 7 bases into the intron after coding-DNA position 1597, A replaced by G.
Molecular consequence: intron variant.
Genome position (GRCh38, 1-based): chr7:44,226,509, T>C on the plus strand (A>G on the coding strand, the complement: CAMK2B is on the minus strand). VCF-style: chr7-44226509-T-C. GRCh37 (hg19) VCF-style: chr7-44266108-T-C.
Other names: c.947-5608A>G (NM_172084.3); c.1150+4497A>G (NM_172080.3); c.1036+4497A>G (NM_172083.3); c.1108+4497A>G (NM_172081.3); c.1153+4497A>G (NM_172079.3, NM_172082.3); c.1225+4497A>G (NM_001293170.2, NM_172078.3).
Identifiers: ClinVar variation 2055861 (VCV002055861.4), dbSNP rs2096481430, ClinGen allele CA1703672994.

ClinVar aggregate classification (germline): Uncertain significance (1 of 4 stars; one submission).

Allele frequency attached by ClinVar (database versions not stated): gnomAD exomes below 0.00001; TOPMed below 0.00001.
gnomAD v4.1: 2 of 1,420,946 alleles (0.00014%); highest among the groups gnomAD compares: African/African-American, 0.0015%; no homozygotes.

Submission:

Labcorp Genetics (formerly Invitae), Labcorp
Classification: Uncertain significance. Last evaluated: 2025-12-13. Review status: criteria provided, single submitter. Criteria: Invitae Variant Classification Sherloc (09022015). Collection method: clinical testing. Allele origin: germline.
Comment: This sequence change falls in intron 20 of the CAMK2B gene. It does not directly change the encoded amino acid sequence of the CAMK2B protein. This variant is not present in population databases (gnomAD no frequency). This variant has not been reported in the literature in individuals affected with CAMK2B-related conditions. ClinVar contains an entry for this variant (Variation ID: 2055861). Algorithms developed to predict the effect of sequence changes on RNA splicing suggest that this variant may disrupt the consensus splice site. In summary, the available evidence is currently insufficient to determine the role of this variant in disease. Therefore, it has been classified as a Variant of Uncertain Significance.